The following is an entry in ClinVar:

ClinVar aggregate classification (germline): Pathogenic. Review status: criteria provided, multiple submitters, no conflicts (2 of 4 stars). 8 submissions from 8 submitters: Pathogenic (8). Last evaluated 2026-01-01.

Conditions:
ANK1-related disorder. Also called: ANK1-related condition.
Hereditary spherocytosis type 1. Also called: Spherocytosis type 1; ANK1-Related Spherocytosis. Identifiers: Orphanet 822, MedGen C2674218, MONDO:0008447, OMIM 182900.

gnomAD v4.1: 1 of 1,614,114 alleles (0.000062%); highest among the groups gnomAD compares: Non-Finnish European, 0.000085%; no homozygotes.

Submissions (8):

CeGaT Center for Human Genetics Tuebingen
Classification: Pathogenic. Last evaluated: 2026-01-01. Review status: criteria provided, single submitter. Criteria: CeGaT Center For Human Genetics Tuebingen Variant Classification Criteria Version 2. Collection method: clinical testing. Allele origin: germline. Affected: yes. Observed: 1 variant allele.
Comment: ANK1: PVS1, PM6:Strong, PS4, PM2

Mayo Clinic Laboratories, Mayo Clinic
Classification: Pathogenic. Last evaluated: 2024-11-12. Review status: criteria provided, single submitter. Criteria: ACMG Guidelines, 2015. Collection method: clinical testing. Allele origin: germline. Observed: 2 variant alleles.
Comment: PM2_moderate, PM6, PS4_moderate, PVS1

Blueprint Genetics
Classification: Pathogenic for ANK1-related disorders. Last evaluated: 2024-09-23. Review status: criteria provided, single submitter. Criteria: ACMG Guidelines, 2015. Collection method: clinical testing. Allele origin: germline. Affected: yes. Observed: 2 variant alleles.

Department of Pediatrics, Duzce University
Classification: Pathogenic for Hereditary spherocytosis type 1. Last evaluated: 2024-02-12. Review status: criteria provided, single submitter. Criteria: ACMG Guidelines, 2015. Collection method: research. Allele origin: germline. Inheritance: Autosomal dominant inheritance. Affected: yes.
Comment: Nonsense variant predicted to introduce a premature stop codon and loss of function through nonsense-mediated decay. Loss of function is an established disease mechanism for autosomal dominant hereditary spherocytosis caused by ANK1, supported by functional studies of ANK1 loss-of-function variants (Wang et al., Ann Hematol 2025; DOI 10.1007/s00277-025-06408-9) (PVS1). The variant is rare/absent in population databases such as gnomAD (PM2_supporting) and has been observed in individuals with hereditary spherocytosis (PS4_supporting). Applied ACMG/AMP criteria: PVS1, PM2_supporting, PS4_supporting. Classification: Pathogenic.

ARUP Laboratories, Molecular Genetics and Genomics, ARUP Laboratories
Classification: Pathogenic for Hereditary spherocytosis type 1. Last evaluated: 2023-09-13. Review status: criteria provided, single submitter. Criteria: ARUP Molecular Germline Variant Investigation Process 2024. Collection method: clinical testing. Allele origin: germline.
Comment: The ANK1 c.856C>T; p.Arg286Ter variant, also known as p.Arg319Ter, is reported in the literature in at least six individuals affected with spherocytosis (Wang 2018, Russo 2018, Choi 2019, Aggarwal 2020, Tole 2020 and Wu 2021) and is reported in ClinVar (Variation ID: 1455153). This variant is also absent from the Genome Aggregation Database, indicating it is not a common polymorphism. This variant induces an early termination codon and is predicted to result in a truncated protein or mRNA subject to nonsense-mediated decay. Based on available information, this variant is considered to be pathogenic. REFERENCES Aggarwal A et al. Deciphering molecular heterogeneity of Indian families with hereditary spherocytosis using targeted next-generation sequencing: First South Asian study. Br J Haematol. 2020 Mar. PMID: 31602632 Choi HS et al. Molecular diagnosis of hereditary spherocytosis by multi-gene target sequencing in Korea: matching with osmotic fragility test and presence of spherocyte. Orphanet J Rare Dis. 2019 May 23. PMID: 31122244 Russo R et al. Multi-gene panel testing improves diagnosis and management of patients with hereditary anemias. Am J Hematol. 2018 May. PMID: 29396846 Tole S et al. Genotype-phenotype correlation in children with hereditary spherocytosis. Br J Haematol. 2020 Nov. PMID: 32436265 Wang R et al. Exome sequencing confirms molecular diagnoses in 38 Chinese families with hereditary spherocytosis. Sci China Life Sci. 2018 Aug. PMID: 29572776 Wu C et al. Preliminary Study on the Clinical and Genetic Characteristics of Hereditary Spherocytosis in 15 Chinese Children. Front Genet. 2021 PMID: 33868383

Revvity Omics, Revvity
Classification: Pathogenic for Hereditary spherocytosis type 1. Last evaluated: 2023-07-20. Review status: criteria provided, single submitter. Criteria: ACMG Guidelines, 2015. Collection method: clinical testing. Allele origin: germline.

GeneDx
Classification: Pathogenic. Last evaluated: 2022-07-05. Review status: criteria provided, single submitter. Criteria: GeneDx Variant Classification Process June 2021. Collection method: clinical testing. Allele origin: germline. Affected: yes.
Comment: Nonsense variant predicted to result in protein truncation or nonsense-mediated decay in a gene for which loss of function is a known mechanism of disease; Not observed at significant frequency in large population cohorts (gnomAD); This variant is associated with the following publications: (PMID: 33868383, 32436265, 31122244, 34335240, 31602632, 29572776, 29396846)

Labcorp Genetics (formerly Invitae), Labcorp
Classification: Pathogenic. Last evaluated: 2021-07-15. Review status: criteria provided, single submitter. Criteria: Invitae Variant Classification Sherloc (09022015). Collection method: clinical testing. Allele origin: germline.
Comment: This variant is not present in population databases (ExAC no frequency). This premature translational stop signal has been observed in individual(s) with spherocytosis (PMID: 29572776, 31122244). For these reasons, this variant has been classified as Pathogenic. This sequence change creates a premature translational stop signal (p.Arg286*) in the ANK1 gene. It is expected to result in an absent or disrupted protein product. Loss-of-function variants in ANK1 are known to be pathogenic (PMID: 8640229).

Literature cited by the submitters: PubMed 29396846 (cited by Mayo Clinic Laboratories, Mayo Clinic); PubMed 31122244 (cited by Mayo Clinic Laboratories, Mayo Clinic and Labcorp Genetics (formerly Invitae), Labcorp); PubMed 31602632 (cited by Mayo Clinic Laboratories, Mayo Clinic); PubMed 31723846 (cited by Mayo Clinic Laboratories, Mayo Clinic); PubMed 32436265 (cited by Mayo Clinic Laboratories, Mayo Clinic); PubMed 33014018 (cited by Mayo Clinic Laboratories, Mayo Clinic); PubMed 33868383 (cited by Mayo Clinic Laboratories, Mayo Clinic); PubMed 34335240 (cited by Mayo Clinic Laboratories, Mayo Clinic); PubMed 36071563 (cited by Mayo Clinic Laboratories, Mayo Clinic); PubMed 40457051 (cited by Department of Pediatrics, Duzce University); PubMed 29572776 (cited by Labcorp Genetics (formerly Invitae), Labcorp); PubMed 8640229 (cited by Labcorp Genetics (formerly Invitae), Labcorp).

NM_000037.4(ANK1):c.856C>T (p.Arg286Ter)

Gene: ANK1 (ankyrin 1; minus strand). Cytogenetic location: 8p11.21.
Variant type: single nucleotide variant.
Coding change: c.856C>T on transcript NM_000037.4 (MANE Select); coding-DNA position 856, C replaced by T.
Protein change: p.Arg286Ter; replaces arginine 286 with a stop codon.
Molecular consequence: nonsense.
Genome position (GRCh38, 1-based): chr8:41,723,178, G>A on the plus strand (C>T on the coding strand, the complement: ANK1 is on the minus strand). VCF-style: chr8-41723178-G-A. GRCh37 (hg19) VCF-style: chr8-41580696-G-A.
Other names: p.Arg286*; p.(Arg286Ter); c.955C>T, p.Arg319Ter (NM_001142446.2); c.856C>T, p.Arg286Ter (NM_020475.3, NM_020476.3, NM_020477.3); short protein forms R286*, R319*.
Identifiers: ClinVar variation 1455153 (VCV001455153.17), dbSNP rs2150651762, ClinGen allele CA371042049.
Genomic context (GRCh38, chr8:41,723,178, plus strand): 5'-TACACACCTTGGTTTTGGCTTGGATTGGTGCCCCGTGGTCCAGCAGGATCTCTGAGATTC[G>A]CACGTGCCCATTTCGAGCTGCACAGTGGAGAGGTGTCAATTCGTCCTTTAAAAGACAGAG-3'